The following is an entry in ClinVar:

ClinVar aggregate classification (germline): Benign/Likely benign. Review status: criteria provided, multiple submitters, no conflicts (2 of 4 stars). 2 submissions from 2 submitters: Benign (1); Likely benign (1). Last evaluated 2025-01-27.

Conditions:
Rubinstein-Taybi syndrome due to EP300 haploinsufficiency. Also called: EP300-Related Rubinstein-Taybi Syndrome; RUBINSTEIN-TAYBI SYNDROME 2. Identifiers: Orphanet 353284, Orphanet 783, MedGen C3150941, MONDO:0013364, OMIM 613684.

Allele frequency attached by ClinVar (database versions not stated): gnomAD 0.00003; TOPMed 0.00003; ExAC 0.00008; ESP Exome Variant Server 0.00008; 1000 Genomes Project 30x 0.00016; 1000 Genomes Project 0.00020.
gnomAD v4.1: 77 of 1,614,070 alleles (0.0048%); highest among the groups gnomAD compares: East Asian, 0.056%; no homozygotes.

Submissions (2):

Labcorp Genetics (formerly Invitae), Labcorp
Classification: Benign for Rubinstein-Taybi syndrome due to EP300 haploinsufficiency. Last evaluated: 2025-01-27. Review status: criteria provided, single submitter. Criteria: Invitae Variant Classification Sherloc (09022015). Collection method: clinical testing. Allele origin: germline.

CeGaT Center for Human Genetics Tuebingen
Classification: Likely benign. Last evaluated: 2023-10-01. Review status: criteria provided, single submitter. Criteria: CeGaT Center For Human Genetics Tuebingen Variant Classification Criteria Version 2. Collection method: clinical testing. Allele origin: germline. Affected: yes. Observed: 1 variant allele.
Comment: EP300: BP4, BP7

NM_001429.4(EP300):c.7101G>A (p.Pro2367=)

Gene: EP300 (EP300 lysine acetyltransferase; plus strand). Cytogenetic location: 22q13.2.
Variant type: single nucleotide variant.
Coding change: c.7101G>A on transcript NM_001429.4 (MANE Select); coding-DNA position 7101, G replaced by A.
Protein change: p.Pro2367=; no amino-acid change (proline 2367 retained).
Molecular consequence: synonymous variant.
Genome position (GRCh38, 1-based): chr22:41,178,812, G>A. VCF-style: chr22-41178812-G-A. GRCh37 (hg19) VCF-style: chr22-41574816-G-A.
Other names: c.7023G>A, p.Pro2341= (NM_001362843.2).
Identifiers: ClinVar variation 2653217 (VCV002653217.27), dbSNP rs377059599, ClinGen allele CA10254030.
Genomic context (GRCh38, chr22:41,178,812, plus strand): 5'-ACATCCTGGACTGGTAGCTGCCCAGGCCAACCCCATGGAACAAGGGCATTTTGCCAGCCC[G>A]GACCAGAATTCAATGCTTTCTCAGCTTGCTAGCAATCCAGGCATGGCAAACCTCCATGGT-3'
Protein context (NP_001420.2, residues 2357-2377): NPMEQGHFAS[Pro2367=]DQNSMLSQLA